The following is an entry in ClinVar:

ClinVar aggregate classification (germline): Benign/Likely benign. Review status: criteria provided, multiple submitters, no conflicts (2 of 4 stars). 13 submissions from 13 submitters: Benign (8); Likely benign (1). 4 of the submissions do not count toward it. Last evaluated 2026-08-01.

Conditions:
Autosomal dominant optic atrophy classic form (OPA1). Also called: OPTIC ATROPHY, JUVENILE; Optic Atrophy Type 1; KJER-TYPE OPTIC ATROPHY. Identifiers: Orphanet 98673, MedGen C0338508, MONDO:0008134, OMIM 165500.

Allele frequency attached by ClinVar (database versions not stated): 1000 Genomes Project 30x 0.00281; 1000 Genomes Project 0.00319; gnomAD 0.00577; TOPMed 0.00630; ESP Exome Variant Server 0.00707.
gnomAD v4.1: 14,377 of 1,610,888 alleles (0.89%); highest among the groups gnomAD compares: Middle Eastern, 1.7%; 95 homozygotes.

Submissions (13):

CeGaT Center for Human Genetics Tuebingen
Classification: Benign. Last evaluated: 2026-08-01. Review status: criteria provided, single submitter. Criteria: CeGaT Center For Human Genetics Tuebingen Variant Classification Criteria Version 2. Collection method: clinical testing. Allele origin: germline. Affected: yes. Observed: 48 variant alleles.
Comment: OPA1: BP4, BP7, BS1, BS2

Labcorp Genetics (formerly Invitae), Labcorp
Classification: Benign. Last evaluated: 2026-02-01. Review status: criteria provided, single submitter. Criteria: Invitae Variant Classification Sherloc (09022015). Collection method: clinical testing. Allele origin: germline.

Blueprint Genetics
Classification: Likely benign. Last evaluated: 2024-11-26. Review status: criteria provided, single submitter. Criteria: ACMG Guidelines, 2015. Collection method: clinical testing. Allele origin: germline.

Athena Diagnostics
Classification: Benign. Last evaluated: 2018-10-29. Review status: criteria provided, single submitter. Criteria: Athena Diagnostics Criteria. Collection method: clinical testing. Allele origin: germline.

Illumina Laboratory Services, Illumina
Classification: Benign for Autosomal dominant optic atrophy classic form. Last evaluated: 2018-01-13. Review status: criteria provided, single submitter. Criteria: ICSL Variant Classification Criteria 13 December 2019. Collection method: clinical testing. Allele origin: germline.
Comment: This variant was observed in the ICSL laboratory as part of a predisposition screen in an ostensibly healthy population. It had not been previously curated by ICSL or reported in the Human Gene Mutation Database (HGMD: prior to June 1st, 2018), and was therefore a candidate for classification through an automated scoring system. Utilizing variant allele frequency, disease prevalence and penetrance estimates, and inheritance mode, an automated score was calculated to assess if this variant is too frequent to cause the disease. Based on the score and internal cut-off values, a variant classified as benign is not then subjected to further curation. The score for this variant resulted in a classification of benign for this disease.

GeneDx
Classification: Benign. Last evaluated: 2013-06-03. Review status: criteria provided, single submitter. Criteria: GeneDx Variant Classification (06012015). Collection method: clinical testing. Allele origin: germline. Affected: yes.
Comment: This variant is considered likely benign or benign based on one or more of the following criteria: it is a conservative change, it occurs at a poorly conserved position in the protein, it is predicted to be benign by multiple in silico algorithms, and/or has population frequency not consistent with disease.

Eurofins Ntd Llc (ga)
Classification: Benign. Last evaluated: 2013-02-01. Review status: criteria provided, single submitter. Criteria: EGL Classification Definitions 2015. Collection method: clinical testing. Allele origin: germline. Observed: 14 variant alleles, 14 heterozygotes.

Breakthrough Genomics
Classification: Benign. Review status: criteria provided, single submitter. Criteria: ACMG Guidelines, 2015. Collection method: not provided. Allele origin: germline. Inheritance: Autosomal recessive inheritance. Affected: yes.

PreventionGenetics, part of Exact Sciences
Classification: Benign. Review status: criteria provided, single submitter. Criteria: ACMG Guidelines, 2015. Collection method: clinical testing. Allele origin: germline.

Mayo Clinic Laboratories, Mayo Clinic
Classification: Benign. Last evaluated: 2016-02-23. Review status: no assertion criteria provided. Collection method: clinical testing. Allele origin: unknown. Not counted in ClinVar's aggregate classification.

Clinical Genetics DNA and cytogenetics Diagnostics Lab, Erasmus MC, Erasmus Medical Center
Classification: Likely benign. Review status: no assertion criteria provided. Collection method: clinical testing. Allele origin: germline. Affected: yes. Study: VKGL Data-share Consensus. Not counted in ClinVar's aggregate classification.

Clinical Genetics, Academic Medical Center
Classification: Benign. Review status: no assertion criteria provided. Collection method: clinical testing. Allele origin: germline. Affected: yes. Study: VKGL Data-share Consensus. Not counted in ClinVar's aggregate classification.

Joint Genome Diagnostic Labs from Nijmegen and Maastricht, Radboudumc and MUMC+
Classification: Likely benign. Review status: no assertion criteria provided. Collection method: clinical testing. Allele origin: germline. Affected: yes. Study: VKGL Data-share Consensus. Not counted in ClinVar's aggregate classification.

Literature cited by the submitters: PubMed 11440988 (cited by Athena Diagnostics); PubMed 11440989 (cited by Athena Diagnostics); PubMed 11810270 (cited by Athena Diagnostics).

NM_130837.3(OPA1):c.420G>T (p.Val140=)

Gene: OPA1 (OPA1 mitochondrial dynamin like GTPase; plus strand). Cytogenetic location: 3q29.
Variant type: single nucleotide variant.
Coding change: c.420G>T on transcript NM_130837.3 (MANE Select); coding-DNA position 420, G replaced by T.
Protein change: p.Val140=; no amino-acid change (valine 140 retained).
Molecular consequence: synonymous variant.
Genome position (GRCh38, 1-based): chr3:193,615,742, G>T. VCF-style: chr3-193615742-G-T. GRCh37 (hg19) VCF-style: chr3-193333531-G-T.
Other names: p.V140V:GTG>GTT; c.48G>T, p.Val16= (NM_001354663.2, NM_001354664.2); c.420G>T, p.Val140= (NM_015560.3, NM_130831.3, NM_130832.3 and 4 more transcripts).
Identifiers: ClinVar variation 95725 (VCV000095725.58), dbSNP rs35801538, ClinGen allele CA285723.